The following is an entry in ClinVar:

NM_006343.3(MERTK):c.536T>A (p.Ile179Lys)

Gene: MERTK (MER proto-oncogene, tyrosine kinase; plus strand). Cytogenetic location: 2q13.
Variant type: single nucleotide variant.
Coding change: c.536T>A on transcript NM_006343.3 (MANE Select); coding-DNA position 536, T replaced by A.
Protein change: p.Ile179Lys; replaces isoleucine 179 with lysine.
Molecular consequence: missense variant.
Genome position (GRCh38, 1-based): chr2:111,945,013, T>A. VCF-style: chr2-111945013-T-A. GRCh37 (hg19) VCF-style: chr2-112702590-T-A.
Other names: short protein forms I179K.
Identifiers: ClinVar variation 1470034 (VCV001470034.8), dbSNP rs750449988, ClinGen allele CA348228442.
Genomic context (GRCh38, chr2:111,945,013, plus strand): 5'-TTTGCAGCATAACCAGTGTGCAGCGTTCAGACAATGGGTCGTATATCTGTAAGATGAAAA[T>A]AAACAATGAAGAGATCGTGTCTGATCCCATCTACATCGAAGTACAAGGTAAGTCCACAGA-3'
Protein context (NP_006334.2, residues 169-189): DNGSYICKMK[Ile179Lys]NNEEIVSDPI

ClinVar aggregate classification (germline): Uncertain significance (1 of 4 stars; one submission).

Submission:

Labcorp Genetics (formerly Invitae), Labcorp
Classification: Uncertain significance. Last evaluated: 2021-04-21. Review status: criteria provided, single submitter. Criteria: Invitae Variant Classification Sherloc (09022015). Collection method: clinical testing. Allele origin: germline.
Comment: This sequence change replaces isoleucine with lysine at codon 179 of the MERTK protein (p.Ile179Lys). The isoleucine residue is highly conserved and there is a moderate physicochemical difference between isoleucine and lysine. In summary, the available evidence is currently insufficient to determine the role of this variant in disease. Therefore, it has been classified as a Variant of Uncertain Significance. Algorithms developed to predict the effect of missense changes on protein structure and function (SIFT, PolyPhen-2, Align-GVGD) all suggest that this variant is likely to be disruptive, but these predictions have not been confirmed by published functional studies and their clinical significance is uncertain. This variant has not been reported in the literature in individuals with MERTK-related conditions. This variant is not present in population databases (ExAC no frequency).